The following is an entry in ClinVar:

NM_001999.4(FBN2):c.6167A>G (p.Asp2056Gly)

Gene: FBN2 (fibrillin 2; minus strand). Cytogenetic location: 5q23.3.
Variant type: single nucleotide variant.
Coding change: c.6167A>G on transcript NM_001999.4 (MANE Select); coding-DNA position 6167, A replaced by G.
Protein change: p.Asp2056Gly; replaces aspartic acid 2056 with glycine.
Molecular consequence: missense variant.
Genome position (GRCh38, 1-based): chr5:128,291,654, T>C on the plus strand (A>G on the coding strand, the complement: FBN2 is on the minus strand). VCF-style: chr5-128291654-T-C. GRCh37 (hg19) VCF-style: chr5-127627346-T-C.
Other names: short protein forms D2056G.
Identifiers: ClinVar variation 3027089 (VCV003027089.22), dbSNP rs745644401, ClinGen allele CA3394477.
Genomic context (GRCh38, chr5:128,291,654, plus strand): 5'-GGAGTATTAGTACAGGAACCAAAAAGACAAATGTTGGGATCTTCATCACATTCATTTATA[T>C]CTGCAGAACAGGGGGAGTATTTATTAGCCATTCAACACTTGAAAATAAACAATTGTCCAT-3'
Protein context (NP_001990.2, residues 2046-2066): GYEVKSENCI[Asp2056Gly]INECDEDPNI

ClinVar aggregate classification (germline): Uncertain significance (1 of 4 stars; one submission).

Allele frequency attached by ClinVar (database versions not stated): gnomAD exomes below 0.00001; ExAC 0.00001.
gnomAD v4.1: 1 of 1,613,446 alleles (0.000062%); highest among the groups gnomAD compares: Non-Finnish European, 0.000085%; no homozygotes.

Submission:

CeGaT Center for Human Genetics Tuebingen
Classification: Uncertain significance. Last evaluated: 2024-01-01. Review status: criteria provided, single submitter. Criteria: CeGaT Center For Human Genetics Tuebingen Variant Classification Criteria Version 2. Collection method: clinical testing. Allele origin: germline. Affected: yes. Observed: 1 variant allele.
Comment: FBN2: PM2, PP3